The following is an entry in ClinVar:

NM_000718.4(CACNA1B):c.6298C>T (p.Arg2100Trp)

Gene: CACNA1B (calcium voltage-gated channel subunit alpha1 B; plus strand). Cytogenetic location: 9q34.3.
Variant type: single nucleotide variant.
Coding change: c.6298C>T on transcript NM_000718.4 (MANE Select); coding-DNA position 6298, C replaced by T.
Protein change: p.Arg2100Trp; replaces arginine 2100 with tryptophan.
Molecular consequence: missense variant.
Genome position (GRCh38, 1-based): chr9:138,120,690, C>T. VCF-style: chr9-138120690-C-T. GRCh37 (hg19) VCF-style: chr9-141015142-C-T.
Other names: c.6298C>T (NM_000718.3); c.6298C>T, p.Arg2100Trp (NM_001243812.2); short protein forms R2100W.
Identifiers: ClinVar variation 1503528 (VCV001503528.6), dbSNP rs537640912, ClinGen allele CA5377681.

ClinVar aggregate classification (germline): Uncertain significance. Review status: criteria provided, multiple submitters, no conflicts (2 of 4 stars). 3 submissions from 3 submitters: Uncertain significance (3). Last evaluated 2025-10-23.

Allele frequency attached by ClinVar (database versions not stated): gnomAD 0.00004 and 0.00005; TOPMed 0.00005; ExAC 0.00033; 1000 Genomes Project 30x 0.00047; 1000 Genomes Project 0.00080.
gnomAD v4.1: 49 of 1,515,908 alleles (0.0032%); highest among the groups gnomAD compares: South Asian, 0.023%; no homozygotes.

Submissions (3):

Labcorp Genetics (formerly Invitae), Labcorp
Classification: Uncertain significance. Last evaluated: 2025-10-23. Review status: criteria provided, single submitter. Criteria: Invitae Variant Classification Sherloc (09022015). Collection method: clinical testing. Allele origin: germline.
Comment: This sequence change replaces arginine, which is basic and polar, with tryptophan, which is neutral and slightly polar, at codon 2100 of the CACNA1B protein (p.Arg2100Trp). This variant is present in population databases (rs537640912, gnomAD 0.04%). This variant has not been reported in the literature in individuals affected with CACNA1B-related conditions. ClinVar contains an entry for this variant (Variation ID: 1503528). Invitae Evidence Modeling of protein sequence and biophysical properties (such as structural, functional, and spatial information, amino acid conservation, physicochemical variation, residue mobility, and thermodynamic stability) indicates that this missense variant is not expected to disrupt CACNA1B protein function with a negative predictive value of 80%. In summary, the available evidence is currently insufficient to determine the role of this variant in disease. Therefore, it has been classified as a Variant of Uncertain Significance.

Ambry Genetics
Classification: Uncertain significance. Last evaluated: 2025-08-08. Review status: criteria provided, single submitter. Criteria: Ambry Variant Classification Scheme 2023. Collection method: clinical testing. Allele origin: germline.

GeneDx
Classification: Uncertain significance. Last evaluated: 2025-04-25. Review status: criteria provided, single submitter. Criteria: GeneDx Variant Classification Process June 2021. Collection method: clinical testing. Allele origin: germline. Affected: yes.
Comment: In silico analysis indicates that this missense variant does not alter protein structure/function; Has not been previously published as pathogenic or benign to our knowledge